The following is an entry in ClinVar:

ClinVar aggregate classification (germline): Uncertain significance (1 of 4 stars; one submission).

Conditions:
Cryptosporidiosis-chronic cholangitis-liver disease syndrome. Also called: IL21R immunodeficiency; Immunodeficiency type 56. Identifiers: Orphanet 357329, MedGen C3554687, MONDO:0014082, OMIM 615207.

Allele frequency attached by ClinVar (database versions not stated): ExAC 0.00001; TOPMed 0.00001; gnomAD 0.00002; gnomAD exomes 0.00006; ESP Exome Variant Server 0.00008.
gnomAD v4.1: 91 of 1,594,672 alleles (0.0057%); highest among the groups gnomAD compares: Non-Finnish European, 0.0075%; no homozygotes.

Submission:

Labcorp Genetics (formerly Invitae), Labcorp
Classification: Uncertain significance for Cryptosporidiosis-chronic cholangitis-liver disease syndrome. Last evaluated: 2022-04-23. Review status: criteria provided, single submitter. Criteria: Invitae Variant Classification Sherloc (09022015). Collection method: clinical testing. Allele origin: germline.
Comment: This sequence change replaces valine, which is neutral and non-polar, with methionine, which is neutral and non-polar, at codon 126 of the IL21R protein (p.Val126Met). The frequency data for this variant in the population databases is considered unreliable, as metrics indicate poor data quality at this position in the gnomAD database. This variant has not been reported in the literature in individuals affected with IL21R-related conditions. Algorithms developed to predict the effect of missense changes on protein structure and function are either unavailable or do not agree on the potential impact of this missense change (SIFT: "Deleterious"; PolyPhen-2: "Possibly Damaging"; Align-GVGD: "Class C0"). In summary, the available evidence is currently insufficient to determine the role of this variant in disease. Therefore, it has been classified as a Variant of Uncertain Significance.

NM_181078.3(IL21R):c.376G>A (p.Val126Met)

Gene: IL21R (interleukin 21 receptor; plus strand). Cytogenetic location: 16p12.1.
Variant type: single nucleotide variant.
Coding change: c.376G>A on transcript NM_181078.3 (MANE Select); coding-DNA position 376, G replaced by A.
Protein change: p.Val126Met; replaces valine 126 with methionine.
Molecular consequence: missense variant.
Genome position (GRCh38, 1-based): chr16:27,442,985, G>A. VCF-style: chr16-27442985-G-A. GRCh37 (hg19) VCF-style: chr16-27454306-G-A.
Other names: c.376G>A, p.Val126Met (NM_021798.4); c.442G>A, p.Val148Met (NM_181079.5); short protein forms V126M, V148M.
Identifiers: ClinVar variation 2190809 (VCV002190809.1), dbSNP rs374621384, ClinGen allele CA7974962.